The following is an entry in ClinVar:

ClinVar aggregate classification (germline): Likely pathogenic (1 of 4 stars; one submission).

Conditions:
Developmental and epileptic encephalopathy 91. Also called: EPILEPTIC ENCEPHALOPATHY, INFANTILE OR EARLY CHILDHOOD, 1. Identifiers: MedGen C4540199, MONDO:0020630, OMIM 617711.

Submission:

Institute of Human Genetics, Clinical Exome/Genome Diagnostics Group, University Hospital Bonn
Classification: Likely pathogenic for Developmental and epileptic encephalopathy 91. Last evaluated: 2021-08-10. Review status: criteria provided, single submitter. Criteria: ACMG Guidelines, 2015. Collection method: clinical testing. Allele origin: inherited. Affected: yes.
Comment: PVS1_strong, PM2

NM_000944.5(PPP3CA):c.34_43del (p.Ser12fs)

Gene: PPP3CA (protein phosphatase 3 catalytic subunit alpha; minus strand). Cytogenetic location: 4q24.
Variant type: Deletion.
Coding change: c.34_43del on transcript NM_000944.5 (MANE Select); coding-DNA positions 34 to 43, 10 bases deleted (TCGACGACCG; older notation c.34_43delTCGACGACCG).
Protein change: p.Ser12fs; shifts the reading frame from serine 12.
Molecular consequence: frameshift variant.
Genome position (GRCh38, 1-based): chr4:101,346,754-101,346,763, CGGTCGTCGA deleted on the plus strand (TCGACGACCG on the coding strand, the reverse complement: PPP3CA is on the minus strand); deleting any 10 consecutive bases within chr4:101,346,754-101,346,764 gives the same sequence; the c. name uses the placement nearest the transcript's 3' end. VCF-style (leftmost placement, unchanged base first): chr4-101346753-TCGGTCGTCGA-T. GRCh37 (hg19) VCF-style: chr4-102267910-TCGGTCGTCGA-T.
Other names: c.34_43del, p.Ser12fs (NM_001130691.2, NM_001130692.2); short protein forms S12fs.
Identifiers: ClinVar variation 1343236 (VCV001343236.1), dbSNP rs2110348535, ClinGen allele CA2573052269.